The following is an entry in ClinVar:

ClinVar aggregate classification (germline): Uncertain significance (1 of 4 stars; one submission).

Conditions:
DNMT3A-related disorder. Also called: DNMT3A-related disorders; DNMT3A-related condition.

gnomAD v4.1: 1 of 562,102 alleles (0.00018%); highest among the groups gnomAD compares: Admixed American, 0.0039%; no homozygotes.

Submission:

PreventionGenetics, part of Exact Sciences
Classification: Uncertain significance for DNMT3A-related condition. Last evaluated: 2026-03-29. Review status: criteria provided, single submitter. Criteria: ACMG Guidelines, 2015. Collection method: clinical testing. Allele origin: germline.
Comment: The DNMT3A c.116G>T variant is predicted to result in the amino acid substitution p.Arg39Leu. To our knowledge, this variant has not been reported in the literature or in a large population database (gnomAD), indicating this variant is rare. At this time, the clinical significance of this variant is uncertain due to the absence of conclusive functional and genetic evidence.

NM_022552.5(DNMT3A):c.640-3727G>T

Gene: DNMT3A (DNA methyltransferase 3 alpha; minus strand). Cytogenetic location: 2p23.3.
Variant type: single nucleotide variant.
Coding change: c.640-3727G>T on transcript NM_022552.5 (MANE Select); 3727 bases into the intron before coding-DNA position 640, G replaced by T.
Molecular consequence: intron variant. On other transcripts: missense variant (1).
Genome position (GRCh38, 1-based): chr2:25,251,979, C>A on the plus strand (G>T on the coding strand, the complement: DNMT3A is on the minus strand). VCF-style: chr2-25251979-C-A. GRCh37 (hg19) VCF-style: chr2-25474848-C-A.
Other names: c.116G>T, p.Arg39Leu (NM_001320893.1); c.640-3727G>T (NM_175629.2); c.4+215G>T (NM_153759.3); c.-31+215G>T (NM_001375819.1); short protein forms R39L.
Identifiers: ClinVar variation 4982390 (VCV004982390.1).